The following is an entry in ClinVar:

ClinVar aggregate classification (germline): Uncertain significance (1 of 4 stars; one submission).

Submission:

Labcorp Genetics (formerly Invitae), Labcorp
Classification: Uncertain significance. Last evaluated: 2022-08-22. Review status: criteria provided, single submitter. Criteria: Invitae Variant Classification Sherloc (09022015). Collection method: clinical testing. Allele origin: germline.
Comment: This sequence change replaces cysteine, which is neutral and slightly polar, with tyrosine, which is neutral and polar, at codon 377 of the POLG2 protein (p.Cys377Tyr). This variant is not present in population databases (gnomAD no frequency). In summary, the available evidence is currently insufficient to determine the role of this variant in disease. Therefore, it has been classified as a Variant of Uncertain Significance. Algorithms developed to predict the effect of missense changes on protein structure and function are either unavailable or do not agree on the potential impact of this missense change (SIFT: "Deleterious"; PolyPhen-2: "Probably Damaging"; Align-GVGD: "Class C0"). This variant has not been reported in the literature in individuals affected with POLG2-related conditions.

NM_007215.4(POLG2):c.1130G>A (p.Cys377Tyr)

Genes: MILR1 (mast cell immunoglobulin like receptor 1; plus strand), POLG2 (DNA polymerase gamma 2, accessory subunit; minus strand). Cytogenetic location: 17q23.3.
Variant type: single nucleotide variant.
Coding change: c.1130G>A on transcript NM_007215.4 (MANE Select); coding-DNA position 1130, G replaced by A.
Protein change: p.Cys377Tyr; replaces cysteine 377 with tyrosine.
Molecular consequence: missense variant.
Genome position (GRCh38, 1-based): chr17:64,482,980, C>T on the plus strand (G>A on the coding strand, the complement: POLG2 is on the minus strand). VCF-style: chr17-64482980-C-T. GRCh37 (hg19) VCF-style: chr17-62479097-C-T.
Other names: short protein forms C377Y.
Identifiers: ClinVar variation 1717656 (VCV001717656.5), dbSNP rs2509525220, ClinGen allele CA400637082.